The following is an entry in ClinVar:

NM_024422.6(DSC2):c.2250+1G>C

Gene: DSC2 (desmocollin 2; minus strand). Cytogenetic location: 18q12.1.
Variant type: single nucleotide variant.
Coding change: c.2250+1G>C on transcript NM_024422.6 (MANE Select); the canonical splice donor site of the intron after coding-DNA position 2250, G replaced by C.
Molecular consequence: splice donor variant.
Genome position (GRCh38, 1-based): chr18:31,070,725, C>G on the plus strand (G>C on the coding strand, the complement: DSC2 is on the minus strand). VCF-style: chr18-31070725-C-G. GRCh37 (hg19) VCF-style: chr18-28650691-C-G.
Other names: c.2250+1G>C (NM_004949.5); c.1821+1G>C (NM_001406506.1, NM_001406507.1).
Identifiers: ClinVar variation 1482220 (VCV001482220.8), dbSNP rs1986794200, ClinGen allele CA402112262.

ClinVar aggregate classification (germline): Likely pathogenic (1 of 4 stars; one submission).

Conditions:
Arrhythmogenic right ventricular dysplasia 11. Also called: Arrhythmogenic right ventricular dysplasia 11 with mild palmoplantar keratoderma and woolly hair; Arrhythmogenic Right Ventricular Dysplasia/Cardiomyopathy11; ARRHYTHMOGENIC RIGHT VENTRICULAR DYSPLASIA, FAMILIAL, 11. Identifiers: MedGen C1864850, MONDO:0012506, OMIM 610476.

Submission:

Labcorp Genetics (formerly Invitae), Labcorp
Classification: Likely pathogenic for Arrhythmogenic right ventricular dysplasia 11. Last evaluated: 2021-05-30. Review status: criteria provided, single submitter. Criteria: Invitae Variant Classification Sherloc (09022015). Collection method: clinical testing. Allele origin: germline.
Comment: This variant is not present in population databases (ExAC no frequency). This sequence change affects a donor splice site in intron 14 of the DSC2 gene. It is expected to disrupt RNA splicing. Variants that disrupt the donor or acceptor splice site typically lead to a loss of protein function (PMID: 16199547), and loss-of-function variants in DSC2 are known to be pathogenic (PMID: 23911551). This variant has not been reported in the literature in individuals with DSC2-related conditions. Algorithms developed to predict the effect of sequence changes on RNA splicing suggest that this variant may disrupt the consensus splice site, but this prediction has not been confirmed by published transcriptional studies. In summary, the currently available evidence indicates that the variant is pathogenic, but additional data are needed to prove that conclusively. Therefore, this variant has been classified as Likely Pathogenic.

Literature cited by the submitters: PubMed 16199547; PubMed 23911551.